The following is an entry in ClinVar:

ClinVar aggregate classification (germline): Benign (0 of 4 stars; one submission).

Conditions:
G6PD-related disorder. Also called: G6PD-related condition.

Allele frequency attached by ClinVar (database versions not stated): ExAC 0.00140; gnomAD 0.00009; 1000 Genomes Project 30x 0.00042; TOPMed 0.00021.
gnomAD v4.1: 85 of 1,161,171 alleles (0.0073%); highest among the groups gnomAD compares: East Asian, 0.25%; 1 homozygote.

Submission:

PreventionGenetics, part of Exact Sciences
Classification: Benign for G6PD-related condition. Last evaluated: 2019-06-25. Review status: no assertion criteria provided. Collection method: clinical testing. Allele origin: germline.
Comment: This variant is classified as benign based on ACMG/AMP sequence variant interpretation guidelines (Richards et al. 2015 PMID: 25741868, with internal and published modifications).

NM_001360016.2(G6PD):c.-14G>A

Genes: G6PD (glucose-6-phosphate dehydrogenase; minus strand), IKBKG (inhibitor of nuclear factor kappa B kinase regulatory subunit gamma; plus strand), LOC107181288 (origin of replication in promoter of G6PD; plus strand), LOC129929052 (ATAC-STARR-seq lymphoblastoid silent region 21114; plus strand). Cytogenetic location: Xq28.
Variant type: single nucleotide variant.
Coding change: c.-14G>A on transcript NM_001360016.2 (MANE Select); 14 bases upstream of the start codon, G replaced by A.
Molecular consequence: 5 prime UTR variant. On other transcripts: missense variant (1), intron variant (5).
Genome position (GRCh38, 1-based): chrX:154,546,794, C>T on the plus strand (G>A on the coding strand, the complement: G6PD is on the minus strand). VCF-style: chrX-154546794-C-T. GRCh37 (hg19) VCF-style: chrX-153775009-C-T.
Other names: c.77G>A, p.Ser26Asn (NM_000402.4); c.-8-631G>A (NM_001042351.3); c.-15-5194C>T (NM_001377312.1, NM_001377313.1); c.189+4342C>T (NM_001099856.6); c.-16+4407C>T (NM_001321396.3); short protein forms S26N.
Identifiers: ClinVar variation 3043617 (VCV003043617.2), dbSNP rs368832112, ClinGen allele CA10566399.